The following is an entry in ClinVar:

NC_000006.11:g.(?_79787552)_(79787785_?)dup

Gene: PHIP (pleckstrin homology domain interacting protein; minus strand). Cytogenetic location: 6q14.1.
Variant type: Duplication.
Identifiers: ClinVar variation 2426413 (VCV002426413.4).

ClinVar aggregate classification (germline): Uncertain significance (1 of 4 stars; one submission).

Submission:

Labcorp Genetics (formerly Invitae), Labcorp
Classification: Uncertain significance. Last evaluated: 2023-07-17. Review status: criteria provided, single submitter. Criteria: Invitae Variant Classification Sherloc (09022015). Collection method: clinical testing. Allele origin: germline.
Comment: This variant results in a copy number gain of the genomic region encompassing exon(s) 1-2 of the PHIP gene. This region includes the initiator codon of the gene. This copy number gain extends beyond the assayed region for this gene and therefore may encompass additional genes. As the precise location of this event is unknown, it may be in tandem or it may be located elsewhere in the genome. This variant has not been reported in the literature in individuals affected with PHIP-related conditions. Experimental studies and prediction algorithms are not available or were not evaluated, and the functional significance of this variant is currently unknown. In summary, the available evidence is currently insufficient to determine the role of this variant in disease. Therefore, it has been classified as a Variant of Uncertain Significance.